The following is an entry in ClinVar:

NM_000368.5(TSC1):c.657G>C (p.Val219=)

Gene: TSC1 (TSC complex subunit 1; minus strand). Cytogenetic location: 9q34.13.
Variant type: single nucleotide variant.
Coding change: c.657G>C on transcript NM_000368.5 (MANE Select); coding-DNA position 657, G replaced by C.
Protein change: p.Val219=; no amino-acid change (valine 219 retained).
Molecular consequence: synonymous variant.
Genome position (GRCh38, 1-based): chr9:132,921,825, C>G on the plus strand (G>C on the coding strand, the complement: TSC1 is on the minus strand). VCF-style: chr9-132921825-C-G. GRCh37 (hg19) VCF-style: chr9-135797212-C-G.
Other names: c.657G>C, p.Val219= (NM_001162426.2); c.504G>C, p.Val168= (NM_001162427.2); c.294G>C, p.Val98= (NM_001362177.2).
Identifiers: ClinVar variation 1127031 (VCV001127031.12), dbSNP rs755910789, ClinGen allele CA038356.

ClinVar aggregate classification (germline): Benign/Likely benign. Review status: criteria provided, multiple submitters, no conflicts (2 of 4 stars). 3 submissions from 3 submitters: Benign (1); Likely benign (2). Last evaluated 2025-05-23.

Conditions:
Tuberous sclerosis 1 (TSC1). Identifiers: Orphanet 805, MedGen C1854465, MONDO:0008612, OMIM 191100.
Hereditary cancer-predisposing syndrome. Also called: Neoplastic Syndromes, Hereditary; Tumor predisposition; Hereditary Cancer Syndrome; Hereditary neoplastic syndrome. Identifiers: Orphanet 140162, MedGen C0027672, MeSH D009386, MONDO:0015356.

Allele frequency attached by ClinVar (database versions not stated): TOPMed below 0.00001; gnomAD exomes 0.00001; ExAC 0.00002.
gnomAD v4.1: 3 of 1,614,110 alleles (0.00019%); highest among the groups gnomAD compares: East Asian, 0.0045%; no homozygotes.

Submissions (3):

Labcorp Genetics (formerly Invitae), Labcorp
Classification: Likely benign for Tuberous sclerosis 1. Last evaluated: 2025-05-23. Review status: criteria provided, single submitter. Criteria: Invitae Variant Classification Sherloc (09022015). Collection method: clinical testing. Allele origin: germline.

Myriad Genetics, Inc.
Classification: Benign for Tuberous sclerosis 1. Last evaluated: 2025-04-08. Review status: criteria provided, single submitter. Criteria: Myriad Autosomal Dominant, Autosomal Recessive and X-Linked Classification Criteria (2023). Collection method: clinical testing. Allele origin: unknown.
Comment: This variant is considered benign. This variant is a silent/synonymous amino acid change and it is not expected to impact splicing.

Ambry Genetics
Classification: Likely benign for Hereditary cancer-predisposing syndrome. Last evaluated: 2021-03-25. Review status: criteria provided, single submitter. Criteria: Ambry Variant Classification Scheme 2023. Collection method: clinical testing. Allele origin: germline.